The following is an entry in ClinVar:

ClinVar aggregate classification (germline): Likely benign (1 of 4 stars; one submission).

Conditions:
Familial cancer of breast. Also called: BREAST CANCER, FAMILIAL; Hereditary breast cancer; hereditary breast carcinoma. Identifiers: Orphanet 227535, MedGen C0346153, MONDO:0016419, OMIM 114480. Disease mechanism: loss of function.

Submission:

Myriad Genetics, Inc.
Classification: Likely benign for Familial cancer of breast. Last evaluated: 2024-05-16. Review status: criteria provided, single submitter. Criteria: Myriad Autosomal Dominant, Autosomal Recessive and X-Linked Classification Criteria (2023). Collection method: clinical testing. Allele origin: unknown.
Comment: This variant is considered likely benign. This variant is intronic and is not expected to impact mRNA splicing.

NM_000051.4(ATM):c.4110-7_4110-6del

Gene: ATM (ATM serine/threonine kinase; plus strand). Cytogenetic location: 11q22.3.
Variant type: Microsatellite.
Coding change: c.4110-7_4110-6del on transcript NM_000051.4 (MANE Select); 7 bases into the intron before coding-DNA position 4110 through 6 bases into the intron before coding-DNA position 4110, 2 bases deleted (CT; older notation c.4110-7_4110-6delCT).
Molecular consequence: intron variant.
Genome position (GRCh38, 1-based): chr11:108,288,970-108,288,971, CT deleted; deleting any 2 consecutive bases within chr11:108,288,968-108,288,971 gives the same sequence; the c. name uses the placement nearest the transcript's 3' end. VCF-style (leftmost placement, unchanged base first): chr11-108288967-ACT-A. GRCh37 (hg19) VCF-style: chr11-108159694-ACT-A.
Other names: c.4110-7_4110-6del (NM_001351834.2).
Identifiers: ClinVar variation 3254281 (VCV003254281.1), dbSNP rs2546903614.
Genomic context (GRCh38, chr11:108,288,967, plus strand): 5'-TGGAAGTTCACTGGTCTATGAACAAAACTTTTTAAAACGATGACTGTATTTTTTCCCTTA[ACT>A]CTGTTAGGGATTTGGATCCTGCTCCTAATCCACCTCATTTTCCATCGCATGTGATTAAAG-3'